The following is an entry in ClinVar:

ClinVar aggregate classification (germline): VUS-high (1 of 4 stars; one submission).

Conditions:
ADNP-related multiple congenital anomalies - intellectual disability - autism spectrum disorder. Also called: ADNP-Related Helsmoortel-Van der Aa Syndrome; Helsmoortel-Van der Aa Syndrome. Identifiers: Orphanet 404448, MedGen C4014538, MONDO:0014379, OMIM 615873. Disease mechanism: loss of function.

Submission:

Centro de Investigaciones en Bioquimica Clinica e Inmunologia, Consejo Nacional de Investigaciones Científicas y Técnicas
Classification: VUS-high for ADNP-related multiple congenital anomalies - intellectual disability - autism spectrum disorder. Last evaluated: 2026-03-09. Review status: criteria provided, single submitter. Criteria: ACMG Guidelines, 2015. Collection method: research. Allele origin: germline. Inheritance: Autosomal dominant inheritance. Affected: yes. Observed: 1 variant allele.
Comment: The variant is predicted to result in a premature termination codon leading to a truncated protein. However, the variant is located in the last exon of the gene and is therefore not expected to trigger nonsense-mediated mRNA decay (NMD), supporting the application of PVS1_Strong. The variant is absent from the gnomAD population database (PM2_Supporting). Therefore, based on the available evidence this variant is classified as a Variant of Uncertain Significance (VUS).

NM_001282531.3(ADNP):c.428_430del (p.Phe143_Lys144delinsTer)

Gene: ADNP (activity dependent neuroprotector homeobox; minus strand). Cytogenetic location: 20q13.13.
Variant type: Deletion.
Coding change: c.428_430del on transcript NM_001282531.3 (MANE Select); coding-DNA positions 428 to 430, 3 bases deleted (TCA; older notation c.428_430delTCA).
Protein change: p.Phe143_Lys144delinsTer.
Molecular consequence: nonsense. On other transcripts: 5 prime UTR variant (1).
Genome position (GRCh38, 1-based): chr20:50,894,284-50,894,286, TGA deleted on the plus strand (TCA on the coding strand, the reverse complement: ADNP is on the minus strand). VCF-style (leftmost placement, unchanged base first): chr20-50894283-TTGA-T. GRCh37 (hg19) VCF-style: chr20-49510820-TTGA-T.
Other names: c.428_430del, p.Phe143_Lys144delinsTer (NM_001282532.2, NM_001347511.2, NM_015339.5 and 1 more transcripts); c.644_646del, p.Phe215_Lys216delinsTer (NM_001439000.1); c.-257_-255del (NM_001439001.1).
Identifiers: ClinVar variation 4845316 (VCV004845316.1).
Genomic context (GRCh38, chr20:50,894,283, plus strand): 5'-ACAGCTTGCTCTACACTGTCAGCCTGCTTAGGTTTAAGGCCATCATTTTTGTTTTTATCT[TTGA>T]AAGTGCTGAGGCTGCTACTTGGTGCGCTGGCGTTCGGAGCATGAAATATTTTAATGTGTG-3'